The following is an entry in ClinVar:

ClinVar aggregate classification (germline): Uncertain significance (1 of 4 stars; one submission).

Conditions:
CACNA2D3-related disorder. Also called: CACNA2D3-related condition.

gnomAD v4.1: 1 of 1,613,904 alleles (0.000062%); highest among the groups gnomAD compares: African/African-American, 0.0013%; no homozygotes.

Submission:

PreventionGenetics, part of Exact Sciences
Classification: Uncertain significance for CACNA2D3-related condition. Last evaluated: 2026-04-13. Review status: criteria provided, single submitter. Criteria: ACMG Guidelines, 2015. Collection method: clinical testing. Allele origin: germline.
Comment: The CACNA2D3 c.3011C>T variant is predicted to result in the amino acid substitution p.Pro1004Leu. To our knowledge, this variant has not been reported in the literature or in a large population database (gnomAD), indicating this variant is rare. At this time, the clinical significance of this variant is uncertain due to the absence of conclusive functional and genetic evidence.

NM_018398.3(CACNA2D3):c.3011C>T (p.Pro1004Leu)

Gene: CACNA2D3 (calcium voltage-gated channel auxiliary subunit alpha2delta 3; plus strand). Cytogenetic location: 3p14.3.
Variant type: single nucleotide variant.
Coding change: c.3011C>T on transcript NM_018398.3 (MANE Select); coding-DNA position 3011, C replaced by T.
Protein change: p.Pro1004Leu; replaces proline 1004 with leucine.
Molecular consequence: missense variant.
Genome position (GRCh38, 1-based): chr3:55,073,468, C>T. VCF-style: chr3-55073468-C-T. GRCh37 (hg19) VCF-style: chr3-55107495-C-T.
Other names: short protein forms P1004L.
Identifiers: ClinVar variation 4993105 (VCV004993105.1).
Genomic context (GRCh38, chr3:55,073,468, plus strand): 5'-TGGTAAATGACTGCCTCGCTACCTCTTGTTCCAACAGGTCCTTTGTCATCCAGCAAATCC[C>T]AAGCAGCAACCTGTTCATGGTGGTGGTGGACAGCAGCTGCCTCTGTGAATCTGTGGCCCC-3'
Protein context (NP_060868.2, residues 994-1014): CSKSFVIQQI[Pro1004Leu]SSNLFMVVVD